The following is an entry in ClinVar:

ClinVar aggregate classification (germline): Uncertain significance. Review status: criteria provided, multiple submitters, no conflicts (2 of 4 stars). 4 submissions from 4 submitters: Uncertain significance (3). 1 of the submissions does not count toward it. Last evaluated 2024-11-25.

Conditions:
Neuronal ceroid lipofuscinosis. Also called: Neuronal Ceroid Lipofuscinoses. Identifiers: Orphanet 216, Orphanet 79263, MedGen C0027877, MONDO:0016295. Disease mechanism: loss of function.
Inborn genetic diseases. Identifiers: MedGen C0950123, MeSH D030342.
Neuronal ceroid lipofuscinosis 5 (CLN5). Also called: Neuronal ceroid lipofuscinosis Finnish variant; NEURONAL CEROID LIPOFUSCINOSIS, LATE INFANTILE, FINNISH VARIANT; CLN5-Related Neuronal Ceroid-Lipofuscinosis; CEROID LIPOFUSCINOSIS, NEURONAL, 5, VARIABLE AGE AT ONSET. Identifiers: Orphanet 168491, Orphanet 228360, MedGen C1850442, MONDO:0009745, OMIM 256731.

Allele frequency attached by ClinVar (database versions not stated): gnomAD exomes below 0.00001; gnomAD 0.00001; TOPMed 0.00002.
gnomAD v4.1: 4 of 1,614,008 alleles (0.00025%); highest among the groups gnomAD compares: Non-Finnish European, 0.00034%; no homozygotes.

Submissions (4):

Ambry Genetics
Classification: Uncertain significance for Inborn genetic diseases. Last evaluated: 2024-11-25. Review status: criteria provided, single submitter. Criteria: Ambry Variant Classification Scheme 2023. Collection method: clinical testing. Allele origin: germline.

Labcorp Genetics (formerly Invitae), Labcorp
Classification: Uncertain significance for Neuronal ceroid lipofuscinosis. Last evaluated: 2022-02-20. Review status: criteria provided, single submitter. Criteria: Invitae Variant Classification Sherloc (09022015). Collection method: clinical testing. Allele origin: germline.
Comment: This sequence change replaces asparagine, which is neutral and polar, with threonine, which is neutral and polar, at codon 304 of the CLN5 protein (p.Asn304Thr). This variant is not present in population databases (gnomAD no frequency). This variant has not been reported in the literature in individuals affected with CLN5-related conditions. ClinVar contains an entry for this variant (Variation ID: 991766). Algorithms developed to predict the effect of missense changes on protein structure and function are either unavailable or do not agree on the potential impact of this missense change (SIFT: "Deleterious"; PolyPhen-2: "Possibly Damaging"; Align-GVGD: "Class C0"). In summary, the available evidence is currently insufficient to determine the role of this variant in disease. Therefore, it has been classified as a Variant of Uncertain Significance.

GeneDx
Classification: Uncertain significance. Last evaluated: 2022-01-19. Review status: criteria provided, single submitter. Criteria: GeneDx Variant Classification Process June 2021. Collection method: clinical testing. Allele origin: germline. Affected: yes.
Comment: Not observed at significant frequency in large population cohorts (gnomAD); In silico analysis supports that this missense variant has a deleterious effect on protein structure/function; Has not been previously published as pathogenic or benign to our knowledge; This variant is associated with the following publications: (PMID: 24038957, 24058541)

Natera, Inc.
Classification: Uncertain significance for Neuronal ceroid lipofuscinosis 5. Last evaluated: 2020-04-16. Review status: no assertion criteria provided. Collection method: clinical testing. Allele origin: germline. Not counted in ClinVar's aggregate classification.

NM_006493.4(CLN5):c.764A>C (p.Asn255Thr)

Gene: CLN5 (CLN5 lysosomal BMP synthase; plus strand). Cytogenetic location: 13q22.3.
Variant type: single nucleotide variant.
Coding change: c.764A>C on transcript NM_006493.4 (MANE Select); coding-DNA position 764, A replaced by C.
Protein change: p.Asn255Thr; replaces asparagine 255 with threonine.
Molecular consequence: missense variant. On other transcripts: 3 prime UTR variant (1).
Genome position (GRCh38, 1-based): chr13:77,000,656, A>C. VCF-style: chr13-77000656-A-C. GRCh37 (hg19) VCF-style: chr13-77574791-A-C.
Other names: c.*213A>C (NM_001366624.2); c.911A>C (NM_006493.2); short protein forms N255T.
Identifiers: ClinVar variation 991766 (VCV000991766.5), dbSNP rs929479143, ClinGen allele CA252177615.